The following is an entry in ClinVar:

NM_001378454.1(ALMS1):c.3029G>A (p.Ser1010Asn)

Gene: ALMS1 (ALMS1 centrosome and basal body associated protein; plus strand). Cytogenetic location: 2p13.1.
Variant type: single nucleotide variant.
Coding change: c.3029G>A on transcript NM_001378454.1 (MANE Select); coding-DNA position 3029, G replaced by A.
Protein change: p.Ser1010Asn; replaces serine 1010 with asparagine.
Molecular consequence: missense variant.
Genome position (GRCh38, 1-based): chr2:73,449,556, G>A. VCF-style: chr2-73449556-G-A. GRCh37 (hg19) VCF-style: chr2-73676683-G-A.
Other names: c.3032G>A, p.Ser1011Asn (NM_015120.4); short protein forms S1010N, S1011N.
Identifiers: ClinVar variation 999946 (VCV000999946.11), dbSNP rs1448665150, ClinGen allele CA347273498.

ClinVar aggregate classification (germline): Uncertain significance. Review status: criteria provided, single submitter (1 of 4 stars). 2 submissions from 2 submitters: Uncertain significance (1). 1 of the submissions does not count toward it. Last evaluated 2023-04-03.

Conditions:
Alstrom syndrome (ALMS). Identifiers: Orphanet 64, MedGen C0268425, MONDO:0008763, OMIM 203800.

Allele frequency attached by ClinVar (database versions not stated): gnomAD exomes below 0.00001; TOPMed below 0.00001; gnomAD 0.00001.
gnomAD v4.1: 3 of 1,613,922 alleles (0.00019%); highest among the groups gnomAD compares: Non-Finnish European, 0.00025%; no homozygotes.

Submissions (2):

Labcorp Genetics (formerly Invitae), Labcorp
Classification: Uncertain significance for Alstrom syndrome. Last evaluated: 2023-04-03. Review status: criteria provided, single submitter. Criteria: Invitae Variant Classification Sherloc (09022015). Collection method: clinical testing. Allele origin: germline.
Comment: Experimental studies and prediction algorithms are not available or were not evaluated, and the functional significance of this variant is currently unknown. In summary, the available evidence is currently insufficient to determine the role of this variant in disease. Therefore, it has been classified as a Variant of Uncertain Significance. ClinVar contains an entry for this variant (Variation ID: 999946). This sequence change replaces serine, which is neutral and polar, with asparagine, which is neutral and polar, at codon 1011 of the ALMS1 protein (p.Ser1011Asn). This variant is not present in population databases (gnomAD no frequency). This variant has not been reported in the literature in individuals affected with ALMS1-related conditions.

Natera, Inc.
Classification: Uncertain significance for Alstrom syndrome. Last evaluated: 2021-01-06. Review status: no assertion criteria provided. Collection method: clinical testing. Allele origin: germline. Not counted in ClinVar's aggregate classification.